The following is an entry in ClinVar:

ClinVar aggregate classification (germline): Uncertain significance (1 of 4 stars; one submission).

gnomAD v4.1: 2 of 1,614,014 alleles (0.00012%); highest among the groups gnomAD compares: South Asian, 0.0022%; no homozygotes.

Submission:

CeGaT Center for Human Genetics Tuebingen
Classification: Uncertain significance. Last evaluated: 2025-06-01. Review status: criteria provided, single submitter. Criteria: CeGaT Center For Human Genetics Tuebingen Variant Classification Criteria Version 2. Collection method: clinical testing. Allele origin: germline. Affected: yes. Observed: 1 variant allele.
Comment: SCN2A: PM2:Supporting, PP2, PP3

NM_001040142.2(SCN2A):c.4939C>T (p.Arg1647Cys)

Gene: SCN2A (sodium voltage-gated channel alpha subunit 2; plus strand). Cytogenetic location: 2q24.3.
Variant type: single nucleotide variant.
Coding change: c.4939C>T on transcript NM_001040142.2 (MANE Select); coding-DNA position 4939, C replaced by T.
Protein change: p.Arg1647Cys; replaces arginine 1647 with cysteine.
Molecular consequence: missense variant.
Genome position (GRCh38, 1-based): chr2:165,388,745, C>T. VCF-style: chr2-165388745-C-T. GRCh37 (hg19) VCF-style: chr2-166245255-C-T.
Other names: c.4939C>T, p.Arg1647Cys (NM_001040143.2, NM_001371246.1, NM_001371247.1 and 1 more transcripts); short protein forms R1647C.
Identifiers: ClinVar variation 4085205 (VCV004085205.8).
Genomic context (GRCh38, chr2:165,388,745, plus strand): 5'-GTGATCCGTCTTGCCAGGATTGGCCGAATCCTACGTCTGATCAAAGGAGCAAAGGGGATC[C>T]GCACGCTGCTCTTTGCTTTGATGATGTCCCTTCCTGCGTTGTTTAACATCGGCCTCCTTC-3'
Protein context (NP_001035232.1, residues 1637-1657): LRLIKGAKGI[Arg1647Cys]TLLFALMMSL